The following is an entry in ClinVar:

NM_000062.3(SERPING1):c.769G>A (p.Ala257Thr)

Gene: SERPING1 (serpin family G member 1; plus strand). Cytogenetic location: 11q12.1.
Variant type: single nucleotide variant.
Coding change: c.769G>A on transcript NM_000062.3 (MANE Select); coding-DNA position 769, G replaced by A.
Protein change: p.Ala257Thr; replaces alanine 257 with threonine.
Molecular consequence: missense variant.
Genome position (GRCh38, 1-based): chr11:57,606,093, G>A. VCF-style: chr11-57606093-G-A. GRCh37 (hg19) VCF-style: chr11-57373566-G-A.
Other names: c.769G>A, p.Ala257Thr (NM_001032295.2); c.769G>A (NM_000062.2); short protein forms A257T.
Identifiers: ClinVar variation 1022267 (VCV001022267.10), dbSNP rs758561591, ClinGen allele CA6008122.

ClinVar aggregate classification (germline): Conflicting classifications of pathogenicity. Review status: criteria provided, conflicting classifications (1 of 4 stars). 3 submissions from 3 submitters: Uncertain significance (2); Likely benign (1). Last evaluated 2025-12-17.

Conditions:
Inborn genetic diseases. Identifiers: MedGen C0950123, MeSH D030342.

Allele frequency attached by ClinVar (database versions not stated): TOPMed 0.00001; gnomAD exomes 0.00002; ExAC 0.00004.

Submissions (3):

Women's Health and Genetics/Laboratory Corporation of America, LabCorp
Classification: Uncertain significance. Last evaluated: 2025-12-17. Review status: criteria provided, single submitter. Criteria: LabCorp Variant Classification Summary - May 2015. Collection method: clinical testing. Allele origin: germline.
Comment: Variant summary: SERPING1 c.769G>A (p.Ala257Thr) results in a non-conservative amino acid change in the encoded protein sequence. Algorithms developed to predict the effect of missense changes on protein structure and function are either unavailable or do not agree on the potential impact of this missense change. The variant allele was found at a frequency of 1.6e-05 in 251484 control chromosomes. The available data on variant occurrences in the general population are insufficient to allow any conclusion about variant significance. To our knowledge, no occurrence of c.769G>A in individuals affected with SERPING1-related conditions and no experimental evidence demonstrating its impact on protein function have been reported. ClinVar contains an entry for this variant (Variation ID: 1022267). Based on the evidence outlined above, the variant was classified as uncertain significance.

Ambry Genetics
Classification: Uncertain significance for Inborn genetic diseases. Last evaluated: 2025-06-26. Review status: criteria provided, single submitter. Criteria: Ambry Variant Classification Scheme 2023. Collection method: clinical testing. Allele origin: germline.

Labcorp Genetics (formerly Invitae), Labcorp
Classification: Likely benign. Last evaluated: 2024-06-13. Review status: criteria provided, single submitter. Criteria: Invitae Variant Classification Sherloc (09022015). Collection method: clinical testing. Allele origin: germline.